The following is an entry in ClinVar:

NM_001164508.2(NEB):c.6505A>G (p.Lys2169Glu)

Gene: NEB (nebulin; minus strand). Cytogenetic location: 2q23.3.
Variant type: single nucleotide variant.
Coding change: c.6505A>G on transcript NM_001164508.2 (MANE Select); coding-DNA position 6505, A replaced by G.
Protein change: p.Lys2169Glu; replaces lysine 2169 with glutamic acid.
Molecular consequence: missense variant.
Genome position (GRCh38, 1-based): chr2:151,656,014, T>C on the plus strand (A>G on the coding strand, the complement: NEB is on the minus strand). VCF-style: chr2-151656014-T-C. GRCh37 (hg19) VCF-style: chr2-152512528-T-C.
Other names: c.6505A>G, p.Lys2169Glu (NM_001164507.2, NM_001271208.2, NM_004543.5); c.6505A>G (NM_004543.4); short protein forms K2169E.
Identifiers: ClinVar variation 287423 (VCV000287423.19), dbSNP rs752328965, ClinGen allele CA1910080.

ClinVar aggregate classification (germline): Conflicting classifications of pathogenicity. Review status: criteria provided, conflicting classifications (1 of 4 stars). 6 submissions from 6 submitters: Uncertain significance (4); Likely benign (1). 1 of the submissions does not count toward it. Last evaluated 2026-10-02.

Conditions:
Inborn genetic diseases. Identifiers: MedGen C0950123, MeSH D030342.
Nemaline myopathy 2 (NEM2). Also called: Nemaline myopathy 2, autosomal recessive. Identifiers: MedGen C1850569, MONDO:0009725, OMIM 256030.

Allele frequency attached by ClinVar (database versions not stated): gnomAD 0.00001; gnomAD exomes 0.00002 and 0.00004; TOPMed 0.00002; ExAC 0.00002.
gnomAD v4.1: 11 of 1,613,012 alleles (0.00068%); highest among the groups gnomAD compares: Admixed American, 0.018%; no homozygotes.

Submissions (6):

GeneDx
Classification: Uncertain significance. Last evaluated: 2026-10-02. Review status: criteria provided, single submitter. Criteria: GeneDx Variant Classification Process June 2021. Collection method: clinical testing. Allele origin: germline.
Comment: In silico analysis suggests that this missense variant does not alter protein structure/function; Has not been previously published as pathogenic or benign to our knowledge

Ambry Genetics
Classification: Uncertain significance for Inborn genetic diseases. Last evaluated: 2025-12-02. Review status: criteria provided, single submitter. Criteria: Ambry Variant Classification Scheme 2023. Collection method: clinical testing. Allele origin: germline.

Labcorp Genetics (formerly Invitae), Labcorp
Classification: Likely benign for Nemaline myopathy 2. Last evaluated: 2024-10-22. Review status: criteria provided, single submitter. Criteria: Invitae Variant Classification Sherloc (09022015). Collection method: clinical testing. Allele origin: germline.

Revvity Omics, Revvity
Classification: Uncertain significance. Last evaluated: 2023-03-31. Review status: criteria provided, single submitter. Criteria: ACMG Guidelines, 2015. Collection method: clinical testing. Allele origin: germline.

Eurofins Ntd Llc (ga)
Classification: Uncertain significance. Last evaluated: 2016-05-25. Review status: criteria provided, single submitter. Criteria: EGL Classification Definitions 2015. Collection method: clinical testing. Allele origin: germline. Observed: 1 variant allele, 1 heterozygote.

Natera, Inc.
Classification: Uncertain significance for Nemaline myopathy type 2. Last evaluated: 2019-11-11. Review status: no assertion criteria provided. Collection method: clinical testing. Allele origin: germline. Not counted in ClinVar's aggregate classification.